The following is an entry in ClinVar:

ClinVar aggregate classification (germline): Pathogenic (1 of 4 stars; one submission).

Conditions:
Neurofibromatosis, type 1 (NF1). Also called: Neurofibromatosis, type I; VON RECKLINGHAUSEN DISEASE; NEUROFIBROMATOSIS, TYPE I, SOMATIC; Peripheral type neurofibromatosis. Identifiers: Orphanet 636, MedGen C0027831, MONDO:0018975, OMIM 162200. Disease mechanism: loss of function.

Submission:

Labcorp Genetics (formerly Invitae), Labcorp
Classification: Pathogenic for Neurofibromatosis, type 1. Last evaluated: 2021-07-24. Review status: criteria provided, single submitter. Criteria: Invitae Variant Classification Sherloc (09022015). Collection method: clinical testing. Allele origin: germline.
Comment: For these reasons, this variant has been classified as Pathogenic. This variant has not been reported in the literature in individuals affected with NF1-related conditions. This variant is not present in population databases (ExAC no frequency). This sequence change creates a premature translational stop signal (p.Leu508Alafs*3) in the NF1 gene. It is expected to result in an absent or disrupted protein product. Loss-of-function variants in NF1 are known to be pathogenic (PMID: 10712197, 23913538).

Literature cited by the submitters: PubMed 10712197; PubMed 23913538.

NM_001042492.3(NF1):c.1518dup (p.Leu508fs)

Gene: NF1 (neurofibromin 1; plus strand). Cytogenetic location: 17q11.2.
Variant type: Duplication.
Coding change: c.1518dup on transcript NM_001042492.3 (MANE Select); coding-DNA position 1518, one base duplicated (C; older notation c.1518dupC).
Protein change: p.Leu508fs; shifts the reading frame from leucine 508.
Molecular consequence: frameshift variant.
Genome position (GRCh38, 1-based): chr17:31,214,576, C duplicated. VCF-style (leftmost placement, unchanged base first): chr17-31214575-T-TC. GRCh37 (hg19) VCF-style: chr17-29541593-T-TC.
Other names: c.1518dup, p.Leu508Alafs (NM_000267.4); c.1518dup, p.Leu508fs (NM_001128147.3); short protein forms L508fs.
Identifiers: ClinVar variation 1453072 (VCV001453072.6), dbSNP rs2143960631, ClinGen allele CA2573153649.